The following is an entry in ClinVar:

ClinVar aggregate classification (germline): Uncertain significance. Review status: criteria provided, multiple submitters, no conflicts (2 of 4 stars). 2 submissions from 2 submitters: Uncertain significance (2). Last evaluated 2023-05-09.

Conditions:
Nephronophthisis 14 (NPHP14). Identifiers: Orphanet 2318, MedGen C3539071, MONDO:0013916, OMIM 614844.

Allele frequency attached by ClinVar (database versions not stated): gnomAD exomes 0.00001.
gnomAD v4.1: 16 of 1,614,034 alleles (0.00099%); highest among the groups gnomAD compares: Non-Finnish European, 0.0014%; no homozygotes.

Submissions (2):

Blueprint Genetics
Classification: Uncertain significance. Last evaluated: 2023-05-09. Review status: criteria provided, single submitter. Criteria: ACMG Guidelines, 2015. Collection method: clinical testing. Allele origin: germline.

Labcorp Genetics (formerly Invitae), Labcorp
Classification: Uncertain significance for Nephronophthisis 14. Last evaluated: 2022-10-25. Review status: criteria provided, single submitter. Criteria: Invitae Variant Classification Sherloc (09022015). Collection method: clinical testing. Allele origin: germline.
Comment: This sequence change replaces proline, which is neutral and non-polar, with leucine, which is neutral and non-polar, at codon 165 of the ZNF423 protein (p.Pro165Leu). This variant is present in population databases (no rsID available, gnomAD 0.006%). This variant has not been reported in the literature in individuals affected with ZNF423-related conditions. ClinVar contains an entry for this variant (Variation ID: 1398537). Advanced modeling of protein sequence and biophysical properties (such as structural, functional, and spatial information, amino acid conservation, physicochemical variation, residue mobility, and thermodynamic stability) has been performed at Invitae for this missense variant, however the output from this modeling did not meet the statistical confidence thresholds required to predict the impact of this variant on ZNF423 protein function. In summary, the available evidence is currently insufficient to determine the role of this variant in disease. Therefore, it has been classified as a Variant of Uncertain Significance.

NM_001379286.1(ZNF423):c.518C>T (p.Pro173Leu)

Gene: ZNF423 (zinc finger protein 423; minus strand). Cytogenetic location: 16q12.1.
Variant type: single nucleotide variant.
Coding change: c.518C>T on transcript NM_001379286.1 (MANE Select); coding-DNA position 518, C replaced by T.
Protein change: p.Pro173Leu; replaces proline 173 with leucine.
Molecular consequence: missense variant.
Genome position (GRCh38, 1-based): chr16:49,638,658, G>A on the plus strand (C>T on the coding strand, the complement: ZNF423 is on the minus strand). VCF-style: chr16-49638658-G-A. GRCh37 (hg19) VCF-style: chr16-49672569-G-A.
Other names: c.314C>T, p.Pro105Leu (NM_001271620.2); c.143C>T, p.Pro48Leu (NM_001330533.2); c.494C>T, p.Pro165Leu (NM_015069.5); short protein forms P105L, P48L, P165L, P173L.
Identifiers: ClinVar variation 1398537 (VCV001398537.4), dbSNP rs1352235005, ClinGen allele CA395852299.